The following is an entry in ClinVar:

NM_014239.4(EIF2B2):c.832-2A>G

Gene: EIF2B2 (eukaryotic translation initiation factor 2B subunit beta; plus strand). Cytogenetic location: 14q24.3.
Variant type: single nucleotide variant.
Coding change: c.832-2A>G on transcript NM_014239.4 (MANE Select); the canonical splice acceptor site of the intron before coding-DNA position 832, A replaced by G.
Molecular consequence: splice acceptor variant.
Genome position (GRCh38, 1-based): chr14:75,007,720, A>G. VCF-style: chr14-75007720-A-G. GRCh37 (hg19) VCF-style: chr14-75474423-A-G.
Identifiers: ClinVar variation 2800462 (VCV002800462.5), dbSNP rs752278683, ClinGen allele CA7275081.

ClinVar aggregate classification (germline): Likely pathogenic. Review status: criteria provided, multiple submitters, no conflicts (2 of 4 stars). 3 submissions from 3 submitters: Likely pathogenic (3). Last evaluated 2024-03-25.

Conditions:
EIF2B2-related disorders.
Leukoencephalopathy with vanishing white matter 2 (VWM2). Also called: EIF2B2-Related Childhood Ataxia with Central Nervous System Hypomyelination/Vanishing White Matter; Leukoencephalopathy with vanishing white matter 2, with or without ovarian failure. Identifiers: MedGen C5830404, MONDO:0957870, OMIM 620312.

Allele frequency attached by ClinVar (database versions not stated): TOPMed below 0.00001; gnomAD 0.00001; ExAC 0.00004.
gnomAD v4.1: 13 of 1,613,298 alleles (0.00081%); highest among the groups gnomAD compares: South Asian, 0.014%; no homozygotes.

Submissions (3):

Fulgent Genetics
Classification: Likely pathogenic for Leukoencephalopathy with vanishing white matter 2. Last evaluated: 2024-03-25. Review status: criteria provided, single submitter. Criteria: ACMG Guidelines, 2015. Collection method: clinical testing. Allele origin: germline.

Labcorp Genetics (formerly Invitae), Labcorp
Classification: Likely pathogenic. Last evaluated: 2024-02-17. Review status: criteria provided, single submitter. Criteria: Invitae Variant Classification Sherloc (09022015). Collection method: clinical testing. Allele origin: germline.
Comment: This sequence change affects an acceptor splice site in intron 6 of the EIF2B2 gene. It is expected to disrupt RNA splicing. Variants that disrupt the donor or acceptor splice site typically lead to a loss of protein function (PMID: 16199547), and loss-of-function variants in EIF2B2 are known to be pathogenic (PMID: 11704758, 12707859). This variant is present in population databases (rs752278683, gnomAD 0.02%). This variant has not been reported in the literature in individuals affected with EIF2B2-related conditions. Algorithms developed to predict the effect of sequence changes on RNA splicing suggest that this variant may disrupt the consensus splice site. In summary, the currently available evidence indicates that the variant is pathogenic, but additional data are needed to prove that conclusively. Therefore, this variant has been classified as Likely Pathogenic.

Blueprint Genetics
Classification: Likely pathogenic for EIF2B2-related disorders. Last evaluated: 2021-05-28. Review status: criteria provided, single submitter. Criteria: ACMG Guidelines, 2015. Collection method: clinical testing. Allele origin: germline. Affected: yes. Observed: 1 variant allele.

Literature cited by the submitters: PubMed 16199547 (cited by Labcorp Genetics (formerly Invitae), Labcorp); PubMed 11704758 (cited by Labcorp Genetics (formerly Invitae), Labcorp); PubMed 12707859 (cited by Labcorp Genetics (formerly Invitae), Labcorp).